The following is an entry in ClinVar:

ClinVar aggregate classification (germline): Pathogenic. Review status: reviewed by expert panel (3 of 4 stars). 2 submissions from 2 submitters: Pathogenic (1). 1 of the submissions does not count toward it. Last evaluated 2017-12-15.

Conditions:
Breast-ovarian cancer, familial, susceptibility to, 2 (BROVCA2). Also called: BRCA2 Hereditary Breast and Ovarian Cancer. Identifiers: Orphanet 145, MedGen C2675520, MONDO:0012933, OMIM 612555. Disease mechanism: loss of function.
Hereditary breast ovarian cancer syndrome. Also called: BRCA1- and BRCA2-Associated Hereditary Breast and Ovarian Cancer; Hereditary breast and/or ovarian cancer syndrome; Hereditary breast and ovarian cancer; Hereditary breast and ovarian cancer syndrome; Hereditary breast and ovarian cancer syndrome (HBOC); Breast and ovarian cancer. Identifiers: Orphanet 145, MedGen C0677776, MeSH D061325, MONDO:0003582. Disease mechanism: loss of function.

Submissions (2):

Evidence-based Network for the Interpretation of Germline Mutant Alleles (ENIGMA)
Classification: Pathogenic for Breast-ovarian cancer, familial, susceptibility to, 2. Last evaluated: 2017-12-15. Review status: reviewed by expert panel. Criteria: ENIGMA BRCA1/2 Classification Criteria (2017-06-29). Collection method: curation. Allele origin: germline. Study: ENIGMA.
Comment: Variant allele predicted to encode a truncated non-functional protein.

Department of Pathology and Laboratory Medicine, Sinai Health System
Classification: Likely pathogenic for Hereditary breast ovarian cancer syndrome. Review status: criteria provided, single submitter. Criteria: ACMG Guidelines, 2015. Collection method: clinical testing. Allele origin: germline. Affected: yes. Study: The Canadian Open Genetics Repository (COGR). Not counted in ClinVar's aggregate classification.

NM_000059.4(BRCA2):c.3328G>T (p.Glu1110Ter)

Gene: BRCA2 (BRCA2 DNA repair associated; plus strand). Cytogenetic location: 13q13.1.
Variant type: single nucleotide variant.
Coding change: c.3328G>T on transcript NM_000059.4 (MANE Select); coding-DNA position 3328, G replaced by T.
Protein change: p.Glu1110Ter; replaces glutamic acid 1110 with a stop codon.
Molecular consequence: nonsense.
Genome position (GRCh38, 1-based): chr13:32,337,683, G>T. VCF-style: chr13-32337683-G-T. GRCh37 (hg19) VCF-style: chr13-32911820-G-T.
Other names: short protein forms E1110*.
Identifiers: ClinVar variation 433776 (VCV000433776.1), dbSNP rs1555283173, ClinGen allele CA387776265.